The following is an entry in ClinVar:

ClinVar aggregate classification (germline): Uncertain significance (1 of 4 stars; one submission).

Conditions:
Sotos syndrome (SOTOS). Also called: CEREBRAL GIGANTISM; Sotos' syndrome; Distinctive facial appearance, overgrowth in childhood, and learning disabilities or delayed development; CHROMOSOME 5q35 DELETION SYNDROME; SOTOS SYNDROME 1. Identifiers: Orphanet 821, MedGen C0175695, MONDO:0019349, OMIM 117550.

Submission:

Institute of Human Genetics, University of Leipzig Medical Center
Classification: Uncertain significance for Sotos syndrome. Last evaluated: 2025-11-24. Review status: criteria provided, single submitter. Criteria: ACMG Guidelines, 2015. Collection method: clinical testing. Allele origin: unknown. Inheritance: Autosomal dominant inheritance. Affected: yes.
Comment: Criteria applied: PM1_SUP,PM2,PP2

NM_022455.5(NSD1):c.6637C>A (p.Leu2213Met)

Gene: NSD1 (nuclear receptor binding SET domain protein 1; plus strand). Cytogenetic location: 5q35.3.
Variant type: single nucleotide variant.
Coding change: c.6637C>A on transcript NM_022455.5 (MANE Select); coding-DNA position 6637, C replaced by A.
Protein change: p.Leu2213Met; replaces leucine 2213 with methionine.
Molecular consequence: missense variant.
Genome position (GRCh38, 1-based): chr5:177,294,005, C>A. VCF-style: chr5-177294005-C-A. GRCh37 (hg19) VCF-style: chr5-176721006-C-A.
Other names: c.5764C>A, p.Leu1922Met (NM_001365684.2, NM_001409308.1, NM_172349.5); c.6637C>A, p.Leu2213Met (NM_001409301.1, NM_001409302.1, NM_001409303.1); c.6217C>A, p.Leu2073Met (NM_001409304.1); c.5884C>A, p.Leu1962Met (NM_001409305.1); c.5875C>A, p.Leu1959Met (NM_001409306.1, NM_001409307.1); c.5515C>A, p.Leu1839Met (NM_001409309.1); short protein forms L1839M, L1922M, L1959M, L1962M, L2073M, L2213M.
Identifiers: ClinVar variation 4533309 (VCV004533309.1).
Genomic context (GRCh38, chr5:177,294,005, plus strand): 5'-ATTTCCAAACTGGATGGGCGTCTGTCTTGTACTGAGCATGACCCCTGTGGGCCCAATCCT[C>A]TGGAACCTGGGGAGATCCGTGAGTATGTGCCTCCCCCAGTACCGCTGCCTCCAGGGCCAA-3'
Protein context (NP_071900.2, residues 2203-2223): TEHDPCGPNP[Leu2213Met]EPGEIREYVP